The following is an entry in ClinVar:

NM_001145475.3(FAM186A):c.4788G>T (p.Ala1596=)

Gene: FAM186A (family with sequence similarity 186 member A; minus strand). Cytogenetic location: 12q13.12.
Variant type: single nucleotide variant.
Coding change: c.4788G>T on transcript NM_001145475.3 (MANE Select); coding-DNA position 4788, G replaced by T.
Protein change: p.Ala1596=; no amino-acid change (alanine 1596 retained).
Molecular consequence: synonymous variant.
Genome position (GRCh38, 1-based): chr12:50,352,044, C>A on the plus strand (G>T on the coding strand, the complement: FAM186A is on the minus strand). VCF-style: chr12-50352044-C-A. GRCh37 (hg19) VCF-style: chr12-50745827-C-A.
Other names: c.4788G>T (NM_001145475.1).
Identifiers: ClinVar variation 2642980 (VCV002642980.25), dbSNP rs12317332, ClinGen allele CA236791744.

ClinVar aggregate classification (germline): Likely benign. Review status: criteria provided, multiple submitters, no conflicts (2 of 4 stars). 2 submissions from 2 submitters: Likely benign (2). Last evaluated 2023-11-03.

Submissions (2):

Ambry Genetics
Classification: Likely benign. Last evaluated: 2023-11-03. Review status: criteria provided, single submitter. Criteria: Ambry Variant Classification Scheme 2023. Collection method: clinical testing. Allele origin: germline.

CeGaT Center for Human Genetics Tuebingen
Classification: Likely benign. Last evaluated: 2023-08-01. Review status: criteria provided, single submitter. Criteria: CeGaT Center For Human Genetics Tuebingen Variant Classification Criteria Version 2. Collection method: clinical testing. Allele origin: germline. Affected: yes. Observed: 1 variant allele.
Comment: FAM186A: BP4, BP7, BS2